The following is an entry in ClinVar:

ClinVar aggregate classification (germline): Uncertain significance (1 of 4 stars; one submission).

Submission:

GeneDx
Classification: Uncertain significance. Last evaluated: 2023-05-19. Review status: criteria provided, single submitter. Criteria: GeneDx Variant Classification Process June 2021. Collection method: clinical testing. Allele origin: germline. Affected: yes.
Comment: Not observed at significant frequency in large population cohorts (gnomAD); Has not been previously published as pathogenic or benign to our knowledge; Nonsense variant predicted to result in protein truncation as the last 41 amino acids are lost

NM_006267.5(RANBP2):c.9551_9552del (p.Asp3183_Phe3184insTer)

Gene: RANBP2 (RAN binding protein 2; plus strand). Cytogenetic location: 2q13.
Variant type: Deletion.
Coding change: c.9551_9552del on transcript NM_006267.5 (MANE Select); coding-DNA positions 9551 to 9552, 2 bases deleted (TT; older notation c.9551_9552delTT).
Protein change: p.Asp3183_Phe3184insTer.
Molecular consequence: nonsense.
Genome position (GRCh38, 1-based): chr2:108,783,777-108,783,778, TT deleted; deleting any 2 consecutive bases within chr2:108,783,776-108,783,778 gives the same sequence; the c. name uses the placement nearest the transcript's 3' end. VCF-style (leftmost placement, unchanged base first): chr2-108783775-CTT-C. GRCh37 (hg19) VCF-style: chr2-109400231-CTT-C.
Other names: c.9629_9630del, p.Asp3209_Phe3210insTer (NM_001415871.1); c.9548_9549del, p.Asp3182_Phe3183insTer (NM_001415872.1); c.9575_9576del, p.Asp3191_Phe3192insTer (NM_001415873.1).
Identifiers: ClinVar variation 3343615 (VCV003343615.1).